The following is an entry in ClinVar:

NM_001031710.3(KLHL7):c.94G>T (p.Gly32Cys)

Gene: KLHL7 (kelch like family member 7; plus strand). Cytogenetic location: 7p15.3.
Variant type: single nucleotide variant.
Coding change: c.94G>T on transcript NM_001031710.3 (MANE Select); coding-DNA position 94, G replaced by T.
Protein change: p.Gly32Cys; replaces glycine 32 with cysteine.
Molecular consequence: missense variant. On other transcripts: non-coding transcript variant (2).
Genome position (GRCh38, 1-based): chr7:23,106,120, G>T. VCF-style: chr7-23106120-G-T. GRCh37 (hg19) VCF-style: chr7-23145739-G-T.
Other names: c.94G>T, p.Gly32Cys (NM_001172428.2); short protein forms G32C.
Identifiers: ClinVar variation 1011582 (VCV001011582.10), dbSNP rs1172652033, ClinGen allele CA366972740.

ClinVar aggregate classification (germline): Uncertain significance (1 of 4 stars; one submission).

Submission:

Labcorp Genetics (formerly Invitae), Labcorp
Classification: Uncertain significance. Last evaluated: 2022-07-05. Review status: criteria provided, single submitter. Criteria: Invitae Variant Classification Sherloc (09022015). Collection method: clinical testing. Allele origin: germline.
Comment: Algorithms developed to predict the effect of missense changes on protein structure and function are either unavailable or do not agree on the potential impact of this missense change (SIFT: "Deleterious"; PolyPhen-2: "Possibly Damaging"; Align-GVGD: "Class C0"). ClinVar contains an entry for this variant (Variation ID: 1011582). This variant has not been reported in the literature in individuals affected with KLHL7-related conditions. This variant is not present in population databases (gnomAD no frequency). This sequence change replaces glycine, which is neutral and non-polar, with cysteine, which is neutral and slightly polar, at codon 32 of the KLHL7 protein (p.Gly32Cys). Algorithms developed to predict the effect of sequence changes on RNA splicing suggest that this variant may create or strengthen a splice site. In summary, the available evidence is currently insufficient to determine the role of this variant in disease. Therefore, it has been classified as a Variant of Uncertain Significance.